The following is an entry in ClinVar:

NM_003062.4(SLIT3):c.1481G>C (p.Arg494Thr)

Gene: SLIT3 (slit guidance ligand 3; minus strand). Cytogenetic location: 5q34.
Variant type: single nucleotide variant.
Coding change: c.1481G>C on transcript NM_003062.4 (MANE Select); coding-DNA position 1481, G replaced by C.
Protein change: p.Arg494Thr; replaces arginine 494 with threonine.
Molecular consequence: missense variant.
Genome position (GRCh38, 1-based): chr5:168,762,668, C>G on the plus strand (G>C on the coding strand, the complement: SLIT3 is on the minus strand). VCF-style: chr5-168762668-C-G. GRCh37 (hg19) VCF-style: chr5-168189673-C-G.
Other names: c.1481G>C (NM_001271946.1); c.1481G>C, p.Arg494Thr (NM_001271946.2); short protein forms R494T.
Identifiers: ClinVar variation 3024729 (VCV003024729.23), dbSNP rs147560182, ClinGen allele CA3551623.

ClinVar aggregate classification (germline): Likely benign. Review status: criteria provided, single submitter (1 of 4 stars). 2 submissions from 2 submitters: Likely benign (1). 1 of the submissions does not count toward it. Last evaluated 2023-12-01.

Conditions:
SLIT3-related disorder. Also called: SLIT3-related condition.

Allele frequency attached by ClinVar (database versions not stated): 1000 Genomes Project 30x 0.00047; 1000 Genomes Project 0.00060; TOPMed 0.00061; ESP Exome Variant Server 0.00062; gnomAD exomes 0.00069; ExAC 0.00077; gnomAD 0.00080.
gnomAD v4.1: 1,138 of 1,614,002 alleles (0.071%); highest among the groups gnomAD compares: Middle Eastern, 0.84%; 2 homozygotes.

Submissions (2):

CeGaT Center for Human Genetics Tuebingen
Classification: Likely benign. Last evaluated: 2023-12-01. Review status: criteria provided, single submitter. Criteria: CeGaT Center For Human Genetics Tuebingen Variant Classification Criteria Version 2. Collection method: clinical testing. Allele origin: germline. Affected: yes. Observed: 1 variant allele.
Comment: SLIT3: BP4

PreventionGenetics, part of Exact Sciences
Classification: Likely benign for SLIT3-related condition. Last evaluated: 2022-02-26. Review status: no assertion criteria provided. Collection method: clinical testing. Allele origin: germline. Not counted in ClinVar's aggregate classification.
Comment: This variant is classified as likely benign based on ACMG/AMP sequence variant interpretation guidelines (Richards et al. 2015 PMID: 25741868, with internal and published modifications).